The following is an entry in ClinVar:

ClinVar aggregate classification (germline): Pathogenic (1 of 4 stars; one submission).

Conditions:
Primary ciliary dyskinesia 27. Also called: CILIARY DYSKINESIA, PRIMARY, 27, WITHOUT SITUS INVERSUS. Identifiers: Orphanet 244, MedGen C3809701, MONDO:0014215, OMIM 615504.

Submission:

Labcorp Genetics (formerly Invitae), Labcorp
Classification: Pathogenic for Primary ciliary dyskinesia 27. Last evaluated: 2025-09-02. Review status: criteria provided, single submitter. Criteria: Invitae Variant Classification Sherloc (09022015). Collection method: clinical testing. Allele origin: germline.
Comment: This sequence change creates a premature translational stop signal (p.Leu247Cysfs*3) in the CCDC65 gene. It is expected to result in an absent or disrupted protein product. Loss-of-function variants in CCDC65 are known to be pathogenic (PMID: 23991085, 24094744). This variant is not present in population databases (gnomAD no frequency). This variant has not been reported in the literature in individuals affected with CCDC65-related conditions. ClinVar contains an entry for this variant (Variation ID: 1450804). For these reasons, this variant has been classified as Pathogenic.

Literature cited by the submitters: PubMed 23991085; PubMed 24094744.

NM_033124.5(DRC2):c.739del (p.Leu247fs)

Gene: DRC2 (dynein regulatory complex subunit 2; plus strand). Cytogenetic location: 12q13.12.
Variant type: Deletion.
Coding change: c.739del on transcript NM_033124.5 (MANE Select); coding-DNA position 739, one base deleted (C; older notation c.739delC).
Protein change: p.Leu247fs; shifts the reading frame from leucine 247.
Molecular consequence: frameshift variant.
Genome position (GRCh38, 1-based): chr12:48,918,404, C deleted; the last of 3 consecutive C bases (chr12:48,918,402-48,918,404); deleting any one gives the same sequence. VCF-style (leftmost placement, unchanged base first): chr12-48918401-AC-A. GRCh37 (hg19) VCF-style: chr12-49312184-AC-A.
Other names: c.310del, p.Leu104fs (NM_001286957.2); short protein forms L104fs, L247fs.
Identifiers: ClinVar variation 1450804 (VCV001450804.6), dbSNP rs2137545975, ClinGen allele CA2573148644.
Genomic context (GRCh38, chr12:48,918,401, plus strand): 5'-TTCCAGGATGTACTCAAGAATTACACTGATGCCACAGAGGATCGAAAGGCTGCCTTTGAG[AC>A]CCTGCAGGTGAAGGATGAGAAGAGCTCCAAAGAGATTGAAGTACAGATGAAAAAAATACA-3'